The following is an entry in ClinVar:

ClinVar aggregate classification (germline): Likely benign (0 of 4 stars; one submission).

Conditions:
AKAP10-related disorder. Also called: AKAP10-related condition.

Allele frequency attached by ClinVar (database versions not stated): TOPMed 0.00001; ExAC 0.00002; gnomAD exomes 0.00002; gnomAD 0.00003.
gnomAD v4.1: 30 of 1,610,240 alleles (0.0019%); highest among the groups gnomAD compares: African/African-American, 0.0067%; no homozygotes.

Submission:

PreventionGenetics, part of Exact Sciences
Classification: Likely benign for AKAP10-related condition. Last evaluated: 2019-09-23. Review status: no assertion criteria provided. Collection method: clinical testing. Allele origin: germline.
Comment: This variant is classified as likely benign based on ACMG/AMP sequence variant interpretation guidelines (Richards et al. 2015 PMID: 25741868, with internal and published modifications).

NM_007202.4(AKAP10):c.1020C>T (p.Phe340=)

Gene: AKAP10 (A-kinase anchoring protein 10; minus strand). Cytogenetic location: 17p11.2.
Variant type: single nucleotide variant.
Coding change: c.1020C>T on transcript NM_007202.4 (MANE Select); coding-DNA position 1020, C replaced by T.
Protein change: p.Phe340=; no amino-acid change (phenylalanine 340 retained).
Molecular consequence: synonymous variant.
Genome position (GRCh38, 1-based): chr17:19,941,867, G>A on the plus strand (C>T on the coding strand, the complement: AKAP10 is on the minus strand). VCF-style: chr17-19941867-G-A. GRCh37 (hg19) VCF-style: chr17-19845180-G-A.
Other names: c.1020C>T, p.Phe340= (NM_001330152.2).
Identifiers: ClinVar variation 3040781 (VCV003040781.2), dbSNP rs757814589, ClinGen allele CA8445910.
Genomic context (GRCh38, chr17:19,941,867, plus strand): 5'-AAAATATGAACTAACTTACTCTTGCTCCATTGCACTAAAGACTATGGACTGTGCCAAAAC[G>A]AAACAGTTGGGATCCACCTGTCCATCTTCTCCACAAATCCTTGCTGCAAAAGAAGTTGTA-3'
Protein context (NP_009133.2, residues 330-350): GEDGQVDPNC[Phe340=]VLAQSIVFSA